The following is an entry in ClinVar:

NM_014908.4(DOLK):c.68A>C (p.Glu23Ala)

Gene: DOLK (dolichol kinase; minus strand). Cytogenetic location: 9q34.11.
Variant type: single nucleotide variant.
Coding change: c.68A>C on transcript NM_014908.4 (MANE Select); coding-DNA position 68, A replaced by C.
Protein change: p.Glu23Ala; replaces glutamic acid 23 with alanine.
Molecular consequence: missense variant.
Genome position (GRCh38, 1-based): chr9:128,947,236, T>G on the plus strand (A>C on the coding strand, the complement: DOLK is on the minus strand). VCF-style: chr9-128947236-T-G. GRCh37 (hg19) VCF-style: chr9-131709515-T-G.
Other names: short protein forms E23A.
Identifiers: ClinVar variation 4056044 (VCV004056044.2).

ClinVar aggregate classification (germline): Uncertain significance. Review status: criteria provided, multiple submitters, no conflicts (2 of 4 stars). 2 submissions from 2 submitters: Uncertain significance (2). Last evaluated 2025-10-12.

Conditions:
Cardiovascular phenotype. Identifiers: MedGen CN230736.

Submissions (2):

Ambry Genetics
Classification: Uncertain significance for Cardiovascular phenotype. Last evaluated: 2025-10-12. Review status: criteria provided, single submitter. Criteria: Ambry Variant Classification Scheme 2023. Collection method: clinical testing. Allele origin: germline.
Comment: The p.E23A variant (also known as c.68A>C), located in coding exon 1 of the DOLK gene, results from an A to C substitution at nucleotide position 68. The glutamic acid at codon 23 is replaced by alanine, an amino acid with dissimilar properties. This amino acid position is conserved. In addition, this alteration is predicted to be deleterious by in silico analysis. Based on the available evidence, the clinical significance of this variant remains unclear.

GeneDx
Classification: Uncertain significance. Last evaluated: 2025-01-06. Review status: criteria provided, single submitter. Criteria: GeneDx Variant Classification Process June 2021. Collection method: clinical testing. Allele origin: germline. Affected: yes.
Comment: Not observed at significant frequency in large population cohorts (gnomAD); In silico analysis indicates that this missense variant does not alter protein structure/function; Has not been previously published as pathogenic or benign to our knowledge